The following is an entry in ClinVar:

ClinVar aggregate classification (germline): Likely pathogenic. Review status: criteria provided, multiple submitters, no conflicts (2 of 4 stars). 3 submissions from 3 submitters: Likely pathogenic (3). Last evaluated 2024-05-03.

Conditions:
Primary dilated cardiomyopathy (DCM). Also called: Dilated Cardiomyopathy. Identifiers: Orphanet 217604, MedGen C0007193, MeSH D002311, MONDO:0005021, HP:0001644. Inheritance: Various modes of inheritance.

Submissions (3):

GeneDx
Classification: Likely pathogenic. Last evaluated: 2024-05-03. Review status: criteria provided, single submitter. Criteria: GeneDx Variant Classification Process June 2021. Collection method: clinical testing. Allele origin: germline. Affected: yes.
Comment: Has not been previously published as pathogenic or benign to our knowledge; Not observed at significant frequency in large population cohorts (gnomAD); Frameshift variant predicted to result in protein truncation or nonsense mediated decay in a gene for which loss of function is a known mechanism of disease

Laboratory for Molecular Medicine, Mass General Brigham Personalized Medicine
Classification: Likely pathogenic for Primary dilated cardiomyopathy. Last evaluated: 2019-07-16. Review status: criteria provided, single submitter. Criteria: ACMG Guidelines, 2015. Collection method: clinical testing. Allele origin: germline.
Comment: The p.Thr34AlafsX21 variant in BAG3 has been identified in 3 affected individuals from 1 family with DCM, including 1 obligate carrier (LMM data). It was absent from large population studies. This variant is predicted to cause a frameshift, which alters the protein’s amino acid sequence beginning at position 34 and leads to a premature termination codon 21 amino acids downstream. This alteration is then predicted to lead to a truncated or absent protein. Loss-of-function variants in BAG3 have been reported to be disease-causing (Knezevic 2015). In summary, although additional studies are required to fully establish its clinical significance, the p.Thr34AlafsX21 variant is likely pathogenic. ACMG/AMP Criteria applied: PVS1, PM2.

Stanford Center for Inherited Cardiovascular Disease, Stanford University
Classification: Likely pathogenic. Last evaluated: 2017-01-03. Review status: criteria provided, single submitter. Criteria: ACMG Guidelines, 2015. Collection method: provider interpretation. Allele origin: germline.

NM_004281.4(BAG3):c.100_107del (p.Thr34fs)

Gene: BAG3 (BAG cochaperone 3; plus strand). Cytogenetic location: 10q26.11.
Variant type: Deletion.
Coding change: c.100_107del on transcript NM_004281.4 (MANE Select); coding-DNA positions 100 to 107, 8 bases deleted (ACCGGCTG; older notation c.100_107delACCGGCTG).
Protein change: p.Thr34fs; shifts the reading frame from threonine 34.
Molecular consequence: frameshift variant.
Genome position (GRCh38, 1-based): chr10:119,651,775-119,651,782, ACCGGCTG deleted; deleting any 8 consecutive bases within chr10:119,651,774-119,651,782 gives the same sequence; the c. name uses the placement nearest the transcript's 3' end. VCF-style (leftmost placement, unchanged base first): chr10-119651773-AGACCGGCT-A. GRCh37 (hg19) VCF-style: chr10-121411285-AGACCGGCT-A.
Other names: c.100_107delACCGGCTG (NM_004281.3); short protein forms T34fs.
Identifiers: ClinVar variation 180009 (VCV000180009.12), dbSNP rs727505283, ClinGen allele CA273668.